The following is an entry in ClinVar:

NM_005633.4(SOS1):c.3242A>G (p.Asn1081Ser)

Gene: SOS1 (SOS Ras/Rac guanine nucleotide exchange factor 1; minus strand). Cytogenetic location: 2p22.1.
Variant type: single nucleotide variant.
Coding change: c.3242A>G on transcript NM_005633.4 (MANE Select); coding-DNA position 3242, A replaced by G.
Protein change: p.Asn1081Ser; replaces asparagine 1081 with serine.
Molecular consequence: missense variant.
Genome position (GRCh38, 1-based): chr2:38,995,227, T>C on the plus strand (A>G on the coding strand, the complement: SOS1 is on the minus strand). VCF-style: chr2-38995227-T-C. GRCh37 (hg19) VCF-style: chr2-39222368-T-C.
Other names: c.3221A>G, p.Asn1074Ser (NM_001382394.1); c.3242A>G, p.Asn1081Ser (NM_001382395.1); short protein forms N1081S, N1074S.
Identifiers: ClinVar variation 561701 (VCV000561701.2), dbSNP rs992722303, ClinGen allele CA346360643.

ClinVar aggregate classification (germline): Uncertain significance. Review status: criteria provided, multiple submitters, no conflicts (2 of 4 stars). 2 submissions from 2 submitters: Uncertain significance (2). Last evaluated 2021-11-11.

Conditions:
Fibromatosis, gingival, 1 (GINGF1). Identifiers: Orphanet 2024, MedGen C4551558, MONDO:0007609, OMIM 135300.
Noonan syndrome 4 (NS4). Also called: SOS1-Related Noonan Syndrome; NOONAN SYNDROME WITH PIGMENTED VILLONODULAR SYNOVITIS. Identifiers: Orphanet 648, MedGen C1853120, MONDO:0012547, OMIM 610733.

Submissions (2):

Fulgent Genetics
Classification: Uncertain significance for Fibromatosis, gingival, 1; Noonan syndrome 4. Last evaluated: 2021-11-11. Review status: criteria provided, single submitter. Criteria: ACMG Guidelines, 2015. Collection method: clinical testing. Allele origin: unknown.

GeneDx
Classification: Uncertain significance. Last evaluated: 2017-12-13. Review status: criteria provided, single submitter. Criteria: GeneDx Variant Classification (06012015). Collection method: clinical testing. Allele origin: germline. Affected: yes.
Comment: The N1081S variant in the SOS1 gene has not been reported previously as a pathogenic variant, nor as a benign variant, to our knowledge. This variant is not observed in large population cohorts (Lek et al., 2016). The N1081S variant is a conservative amino acid substitution, which is not likely to impact secondary protein structure as these residues share similar properties. In-silico analyses, including protein predictors and evolutionary conservation, support that this variant does not alter protein structure/function. We interpret N1081S as a variant of uncertain significance.